The following is an entry in ClinVar:

NM_017780.4(CHD7):c.1989A>C (p.Lys663Asn)

Genes: CHD7 (chromodomain helicase DNA binding protein 7; plus strand), LOC126860403 (CDK7 strongly-dependent group 2 enhancer GRCh37_chr8:61693034-61694233; plus strand). Cytogenetic location: 8q12.2.
Variant type: single nucleotide variant.
Coding change: c.1989A>C on transcript NM_017780.4 (MANE Select); coding-DNA position 1989, A replaced by C.
Protein change: p.Lys663Asn; replaces lysine 663 with asparagine.
Molecular consequence: missense variant. On other transcripts: intron variant (1).
Genome position (GRCh38, 1-based): chr8:60,781,323, A>C. VCF-style: chr8-60781323-A-C. GRCh37 (hg19) VCF-style: chr8-61693882-A-C.
Other names: c.1716+273A>C (NM_001316690.1); short protein forms K663N.
Identifiers: ClinVar variation 4530928 (VCV004530928.1).

ClinVar aggregate classification (germline): Uncertain significance (1 of 4 stars; one submission).

Submission:

GeneDx
Classification: Uncertain significance. Last evaluated: 2025-05-21. Review status: criteria provided, single submitter. Criteria: GeneDx Variant Classification Process June 2021. Collection method: clinical testing. Allele origin: germline. Affected: yes.
Comment: Not observed at significant frequency in large population cohorts (gnomAD); In silico analysis suggests that this missense variant does not alter protein structure/function; Has not been previously published as pathogenic or benign to our knowledge